The following is an entry in ClinVar:

NM_017636.4(TRPM4):c.829C>T (p.Leu277=)

Gene: TRPM4 (transient receptor potential cation channel subfamily M member 4; plus strand). Cytogenetic location: 19q13.33.
Variant type: single nucleotide variant.
Coding change: c.829C>T on transcript NM_017636.4 (MANE Select); coding-DNA position 829, C replaced by T.
Protein change: p.Leu277=; no amino-acid change (leucine 277 retained).
Molecular consequence: synonymous variant. On other transcripts: 5 prime UTR variant (2).
Genome position (GRCh38, 1-based): chr19:49,171,389, C>T. VCF-style: chr19-49171389-C-T. GRCh37 (hg19) VCF-style: chr19-49674646-C-T.
Other names: c.829C>T, p.Leu277= (NM_001195227.2); c.484C>T, p.Leu162= (NM_001321281.2); c.-725C>T (NM_001321282.2); c.307C>T, p.Leu103= (NM_001321283.2); c.-21C>T (NM_001321285.2).
Identifiers: ClinVar variation 510520 (VCV000510520.1), dbSNP rs1555752825, ClinGen allele CA508282234.

ClinVar aggregate classification (germline): Likely benign (1 of 4 stars; one submission).

Submission:

GeneDx
Classification: Likely benign. Last evaluated: 2017-07-05. Review status: criteria provided, single submitter. Criteria: GeneDx Variant Classification (06012015). Collection method: clinical testing. Allele origin: germline. Affected: yes.
Comment: This variant is considered likely benign or benign based on one or more of the following criteria: it is a conservative change, it occurs at a poorly conserved position in the protein, it is predicted to be benign by multiple in silico algorithms, and/or has population frequency not consistent with disease.